The following is an entry in ClinVar:

NM_007126.5(VCP):c.1115C>T (p.Pro372Leu)

Gene: VCP (valosin containing protein; minus strand). Cytogenetic location: 9p13.3.
Variant type: single nucleotide variant.
Coding change: c.1115C>T on transcript NM_007126.5 (MANE Select); coding-DNA position 1115, C replaced by T.
Protein change: p.Pro372Leu; replaces proline 372 with leucine.
Molecular consequence: missense variant.
Genome position (GRCh38, 1-based): chr9:35,061,656, G>A on the plus strand (C>T on the coding strand, the complement: VCP is on the minus strand). VCF-style: chr9-35061656-G-A. GRCh37 (hg19) VCF-style: chr9-35061653-G-A.
Other names: c.980C>T, p.Pro327Leu (NM_001354927.2, NM_001354928.2); short protein forms P327L, P372L.
Identifiers: ClinVar variation 2948646 (VCV002948646.3), dbSNP rs2490355904, ClinGen allele CA373283484.
Genomic context (GRCh38, chr9:35,061,656, plus strand): 5'-TCTGCCAGCTTCATGTTCTTGGTATGGATCTGAAGAATCTCTAAGCGTCCTGTAGCATCA[G>A]GAATTCCAATATCTACCTCCCTGTCAAAGCGACCTGTGGGACAGTACACAAACATAAACA-3'
Protein context (NP_009057.1, residues 362-382): RFDREVDIGI[Pro372Leu]DATGRLEILQ

ClinVar aggregate classification (germline): Uncertain significance (1 of 4 stars; one submission).

Conditions:
Inclusion body myopathy with Paget disease of bone and frontotemporal dementia. Also called: Inclusion body myopathy with early-onset Paget disease and frontotemporal dementia. Identifiers: Orphanet 52430, MedGen C1833662, MONDO:0000507.
Frontotemporal dementia and/or amyotrophic lateral sclerosis 6 (FTDALS6). Also called: VCP-Related Amyotrophic Lateral Sclerosis; VCP-Related Amyotrophic Lateral Sclerosis/Frontotemporal Dementia. Identifiers: Orphanet 275872, Orphanet 803, MedGen C5436279, MONDO:0013501, OMIM 613954.

Submission:

Labcorp Genetics (formerly Invitae), Labcorp
Classification: Uncertain significance for Inclusion body myopathy with Paget disease of bone and frontotemporal dementia; Frontotemporal dementia and/or amyotrophic lateral sclerosis 6. Last evaluated: 2023-06-14. Review status: criteria provided, single submitter. Criteria: Invitae Variant Classification Sherloc (09022015). Collection method: clinical testing. Allele origin: germline.
Comment: This sequence change replaces proline, which is neutral and non-polar, with leucine, which is neutral and non-polar, at codon 372 of the VCP protein (p.Pro372Leu). This variant is not present in population databases (gnomAD no frequency). This variant has not been reported in the literature in individuals affected with VCP-related conditions. Advanced modeling of protein sequence and biophysical properties (such as structural, functional, and spatial information, amino acid conservation, physicochemical variation, residue mobility, and thermodynamic stability) performed at Invitae indicates that this missense variant is not expected to disrupt VCP protein function. In summary, the available evidence is currently insufficient to determine the role of this variant in disease. Therefore, it has been classified as a Variant of Uncertain Significance.